The following is an entry in ClinVar:

NM_005733.3(KIF20A):c.1209-6T>G

Gene: KIF20A (kinesin family member 20A; plus strand). Cytogenetic location: 5q31.2.
Variant type: single nucleotide variant.
Coding change: c.1209-6T>G on transcript NM_005733.3 (MANE Select); 6 bases into the intron before coding-DNA position 1209, T replaced by G.
Molecular consequence: intron variant.
Genome position (GRCh38, 1-based): chr5:138,183,956, T>G. VCF-style: chr5-138183956-T-G. GRCh37 (hg19) VCF-style: chr5-137519645-T-G.
Identifiers: ClinVar variation 2051755 (VCV002051755.4), dbSNP rs921683988, ClinGen allele CA128185813.
Genomic context (GRCh38, chr5:138,183,956, plus strand): 5'-TATACAAAGGGCCAGAAGGCTCATAACATGTGAGGCCCTTATGTCAGATCCTGTGCATCA[T>G]TCTAGGCTGTCACTCTGTGATCTGGCTGGCTCAGAGCGCTGCAAAGATCAGAAGAGTGGT-3'

ClinVar aggregate classification (germline): Uncertain significance (1 of 4 stars; one submission).

Submission:

Labcorp Genetics (formerly Invitae), Labcorp
Classification: Uncertain significance. Last evaluated: 2022-07-12. Review status: criteria provided, single submitter. Criteria: Invitae Variant Classification Sherloc (09022015). Collection method: clinical testing. Allele origin: germline.
Comment: This sequence change falls in intron 10 of the KIF20A gene. It does not directly change the encoded amino acid sequence of the KIF20A protein. This variant is not present in population databases (gnomAD no frequency). This variant has not been reported in the literature in individuals affected with KIF20A-related conditions. Algorithms developed to predict the effect of sequence changes on RNA splicing suggest that this variant may disrupt the consensus splice site. In summary, the available evidence is currently insufficient to determine the role of this variant in disease. Therefore, it has been classified as a Variant of Uncertain Significance.